The following is an entry in ClinVar:

ClinVar aggregate classification (germline): Benign/Likely benign. Review status: criteria provided, multiple submitters, no conflicts (2 of 4 stars). 7 submissions from 6 submitters: Benign (1); Likely benign (6). Last evaluated 2026-01-22.

Conditions:
Otospondylomegaepiphyseal dysplasia, autosomal recessive (OSMEDB). Also called: Insley-Astley syndrome; CHONDRODYSTROPHY WITH SENSORINEURAL DEAFNESS. Identifiers: Orphanet 1427, MedGen CN034493, MONDO:0044206, OMIM 215150.
Fibrochondrogenesis 2 (FBCG2). Identifiers: Orphanet 2021, MedGen C3281128, MONDO:0013795, OMIM 614524.

Allele frequency attached by ClinVar (database versions not stated): gnomAD exomes 0.00015 and 0.00047; ExAC 0.00053; 1000 Genomes Project 0.00120; 1000 Genomes Project 30x 0.00125; ESP Exome Variant Server 0.00130; gnomAD 0.00163 and 0.00178; TOPMed 0.00187.
gnomAD v4.1: 474 of 1,612,808 alleles (0.029%); highest among the groups gnomAD compares: African/African-American, 0.53%; 1 homozygote.

Submissions (7):

Labcorp Genetics (formerly Invitae), Labcorp
Classification: Benign. Last evaluated: 2026-01-22. Review status: criteria provided, single submitter. Criteria: Invitae Variant Classification Sherloc (09022015). Collection method: clinical testing. Allele origin: germline.

Blueprint Genetics
Classification: Likely benign. Last evaluated: 2024-11-01. Review status: criteria provided, single submitter. Criteria: ACMG Guidelines, 2015. Collection method: clinical testing. Allele origin: germline.

Women's Health and Genetics/Laboratory Corporation of America, LabCorp
Classification: Likely benign. Last evaluated: 2024-09-04. Review status: criteria provided, single submitter. Criteria: LabCorp Variant Classification Summary - May 2015. Collection method: clinical testing. Allele origin: germline.

GeneDx
Classification: Likely benign. Last evaluated: 2018-03-12. Review status: criteria provided, single submitter. Criteria: GeneDx Variant Classification (06012015). Collection method: clinical testing. Allele origin: germline. Affected: yes.
Comment: This variant is considered likely benign or benign based on one or more of the following criteria: it is a conservative change, it occurs at a poorly conserved position in the protein, it is predicted to be benign by multiple in silico algorithms, and/or has population frequency not consistent with disease.

Illumina Laboratory Services, Illumina
Classification: Likely benign for Otospondylomegaepiphyseal dysplasia, autosomal recessive. Last evaluated: 2018-01-13. Review status: criteria provided, single submitter. Criteria: ICSL Variant Classification Criteria 13 December 2019. Collection method: clinical testing. Allele origin: germline.
Comment: This variant was observed in the ICSL laboratory as part of a predisposition screen in an ostensibly healthy population. It had not been previously curated by ICSL or reported in the Human Gene Mutation Database (HGMD: prior to June 1st, 2018), and was therefore a candidate for classification through an automated scoring system. Utilizing variant allele frequency, disease prevalence and penetrance estimates, and inheritance mode, an automated score was calculated to assess if this variant is too frequent to cause the disease. Based on the score and internal cut-off values, a variant classified as likely benign is not then subjected to further curation. The score for this variant resulted in a classification of likely benign for this disease.

Illumina Laboratory Services, Illumina
Classification: Likely benign for Fibrochondrogenesis 2. Last evaluated: 2018-01-13. Review status: criteria provided, single submitter. Criteria: ICSL Variant Classification Criteria 13 December 2019. Collection method: clinical testing. Allele origin: germline.
Comment: the same text as in the submission from Illumina Laboratory Services, Illumina above.

Laboratory for Molecular Medicine, Mass General Brigham Personalized Medicine
Classification: Likely benign. Last evaluated: 2015-06-25. Review status: criteria provided, single submitter. Criteria: LMM Criteria. Collection method: clinical testing. Allele origin: germline. Observed: 2 variant alleles.
Comment: c.1774-9C>T in intron 19 of COL11A2: This variant is not expected to have clinic al significance because it does not cause the splice site sequence to diverge fr om the consensus and it has been identified in 0.5% (50/9150) of African chromos omes by the Exome Aggregation Consortium (ExAC; dbSNP rs148243956).

NM_080680.3(COL11A2):c.1774-9C>T

Gene: COL11A2 (collagen type XI alpha 2 chain; minus strand). Cytogenetic location: 6p21.32.
Variant type: single nucleotide variant.
Coding change: c.1774-9C>T on transcript NM_080680.3 (MANE Select); 9 bases into the intron before coding-DNA position 1774, C replaced by T.
Molecular consequence: intron variant.
Genome position (GRCh38, 1-based): chr6:33,178,361, G>A on the plus strand (C>T on the coding strand, the complement: COL11A2 is on the minus strand). VCF-style: chr6-33178361-G-A. GRCh37 (hg19) VCF-style: chr6-33146138-G-A.
Other names: c.1453-9C>T (NM_080679.3); c.1516-9C>T (NM_080681.3).
Identifiers: ClinVar variation 227262 (VCV000227262.19), dbSNP rs148243956, ClinGen allele CA3751208.